The following is an entry in ClinVar:

ClinVar aggregate classification (germline): Uncertain significance. Review status: criteria provided, multiple submitters, no conflicts (2 of 4 stars). 2 submissions from 2 submitters: Uncertain significance (2). Last evaluated 2026-06-01.

Conditions:
Cardiovascular phenotype. Identifiers: MedGen CN230736.
Noonan syndrome 9 (NS9). Identifiers: Orphanet 648, MedGen C4225282, MONDO:0014691, OMIM 616559.

Allele frequency attached by ClinVar (database versions not stated): gnomAD exomes below 0.00001.
gnomAD v4.1: 1 of 1,590,614 alleles (0.000063%); highest among the groups gnomAD compares: Non-Finnish European, 0.000086%; no homozygotes.

Submissions (2):

Ambry Genetics
Classification: Uncertain significance for Cardiovascular phenotype. Last evaluated: 2026-06-01. Review status: criteria provided, single submitter. Criteria: Ambry Variant Classification Scheme 2023. Collection method: clinical testing. Allele origin: germline.
Comment: The p.V683I variant (also known as c.2047G>A), located in coding exon 12 of the SOS2 gene, results from a G to A substitution at nucleotide position 2047. The valine at codon 683 is replaced by isoleucine, an amino acid with highly similar properties. This amino acid position is conserved. In addition, this alteration is predicted to be tolerated by in silico analysis. Based on the available evidence, the clinical significance of this variant remains unclear.

Labcorp Genetics (formerly Invitae), Labcorp
Classification: Uncertain significance for Noonan syndrome 9. Last evaluated: 2024-08-13. Review status: criteria provided, single submitter. Criteria: Invitae Variant Classification Sherloc (09022015). Collection method: clinical testing. Allele origin: germline.
Comment: This sequence change replaces valine, which is neutral and non-polar, with isoleucine, which is neutral and non-polar, at codon 683 of the SOS2 protein (p.Val683Ile). This variant is not present in population databases (gnomAD no frequency). This variant has not been reported in the literature in individuals affected with SOS2-related conditions. ClinVar contains an entry for this variant (Variation ID: 1405262). Advanced modeling of protein sequence and biophysical properties (such as structural, functional, and spatial information, amino acid conservation, physicochemical variation, residue mobility, and thermodynamic stability) performed at Invitae indicates that this missense variant is not expected to disrupt SOS2 protein function with a negative predictive value of 80%. In summary, the available evidence is currently insufficient to determine the role of this variant in disease. Therefore, it has been classified as a Variant of Uncertain Significance.

NM_006939.4(SOS2):c.2047G>A (p.Val683Ile)

Gene: SOS2 (SOS Ras/Rho guanine nucleotide exchange factor 2; minus strand). Cytogenetic location: 14q21.3.
Variant type: single nucleotide variant.
Coding change: c.2047G>A on transcript NM_006939.4 (MANE Select); coding-DNA position 2047, G replaced by A.
Protein change: p.Val683Ile; replaces valine 683 with isoleucine.
Molecular consequence: missense variant.
Genome position (GRCh38, 1-based): chr14:50,157,009, C>T on the plus strand (G>A on the coding strand, the complement: SOS2 is on the minus strand). VCF-style: chr14-50157009-C-T. GRCh37 (hg19) VCF-style: chr14-50623727-C-T.
Other names: c.2047G>A (NM_006939.2); short protein forms V683I.
Identifiers: ClinVar variation 1405262 (VCV001405262.7), dbSNP rs1884843220, ClinGen allele CA389644357.